The following is an entry in ClinVar:

ClinVar aggregate classification (germline): Uncertain significance (1 of 4 stars; one submission).

Submission:

Labcorp Genetics (formerly Invitae), Labcorp
Classification: Uncertain significance. Last evaluated: 2024-01-02. Review status: criteria provided, single submitter. Criteria: Invitae Variant Classification Sherloc (09022015). Collection method: clinical testing. Allele origin: germline.
Comment: This sequence change replaces isoleucine, which is neutral and non-polar, with threonine, which is neutral and polar, at codon 1662 of the PRPF8 protein (p.Ile1662Thr). This variant is not present in population databases (gnomAD no frequency). This variant has not been reported in the literature in individuals affected with PRPF8-related conditions. ClinVar contains an entry for this variant (Variation ID: 2108641). Advanced modeling of protein sequence and biophysical properties (such as structural, functional, and spatial information, amino acid conservation, physicochemical variation, residue mobility, and thermodynamic stability) performed at Invitae indicates that this missense variant is expected to disrupt PRPF8 protein function with a positive predictive value of 80%. In summary, the available evidence is currently insufficient to determine the role of this variant in disease. Therefore, it has been classified as a Variant of Uncertain Significance.

NM_006445.4(PRPF8):c.4985T>C (p.Ile1662Thr)

Gene: PRPF8 (pre-mRNA processing factor 8; minus strand). Cytogenetic location: 17p13.3.
Variant type: single nucleotide variant.
Coding change: c.4985T>C on transcript NM_006445.4 (MANE Select); coding-DNA position 4985, T replaced by C.
Protein change: p.Ile1662Thr; replaces isoleucine 1662 with threonine.
Molecular consequence: missense variant.
Genome position (GRCh38, 1-based): chr17:1,659,510, A>G on the plus strand (T>C on the coding strand, the complement: PRPF8 is on the minus strand). VCF-style: chr17-1659510-A-G. GRCh37 (hg19) VCF-style: chr17-1562804-A-G.
Other names: short protein forms I1662T.
Identifiers: ClinVar variation 2108641 (VCV002108641.4), dbSNP rs2543729552, ClinGen allele CA397574188.